The following is an entry in ClinVar:

NM_001958.5(EEF1A2):c.1383G>A (p.Ala461=)

Gene: EEF1A2 (eukaryotic translation elongation factor 1 alpha 2; minus strand). Cytogenetic location: 20q13.33.
Variant type: single nucleotide variant.
Coding change: c.1383G>A on transcript NM_001958.5 (MANE Select); coding-DNA position 1383, G replaced by A.
Protein change: p.Ala461=; no amino-acid change (alanine 461 retained).
Molecular consequence: synonymous variant.
Genome position (GRCh38, 1-based): chr20:63,488,307, C>T on the plus strand (G>A on the coding strand, the complement: EEF1A2 is on the minus strand). VCF-style: chr20-63488307-C-T. GRCh37 (hg19) VCF-style: chr20-62119660-C-T.
Identifiers: ClinVar variation 1122823 (VCV001122823.35), dbSNP rs781155823, ClinGen allele CA9958911.

ClinVar aggregate classification (germline): Likely benign. Review status: criteria provided, multiple submitters, no conflicts (2 of 4 stars). 3 submissions from 3 submitters: Likely benign (3). Last evaluated 2025-07-21.

Conditions:
Inborn genetic diseases. Identifiers: MedGen C0950123, MeSH D030342.
Developmental and epileptic encephalopathy, 33 (DEE33). Also called: Epileptic encephalopathy, early infantile, 33. Identifiers: Orphanet 442835, MedGen C4225337, MONDO:0014625, OMIM 616409.

Allele frequency attached by ClinVar (database versions not stated): 1000 Genomes Project 30x 0.00016.
gnomAD v4.1: 13 of 1,389,448 alleles (0.00094%); highest among the groups gnomAD compares: East Asian, 0.0033%; no homozygotes.

Submissions (3):

Labcorp Genetics (formerly Invitae), Labcorp
Classification: Likely benign for Developmental and epileptic encephalopathy, 33. Last evaluated: 2025-07-21. Review status: criteria provided, single submitter. Criteria: Invitae Variant Classification Sherloc (09022015). Collection method: clinical testing. Allele origin: germline.

CeGaT Center for Human Genetics Tuebingen
Classification: Likely benign. Last evaluated: 2022-10-01. Review status: criteria provided, single submitter. Criteria: CeGaT Center For Human Genetics Tuebingen Variant Classification Criteria Version 2. Collection method: clinical testing. Allele origin: germline. Affected: yes. Observed: 1 variant allele.
Comment: EEF1A2: BP4, BP7

Ambry Genetics
Classification: Likely benign for Inborn genetic diseases. Last evaluated: 2019-11-11. Review status: criteria provided, single submitter. Criteria: Ambry Variant Classification Scheme 2023. Collection method: clinical testing. Allele origin: germline.